The following is an entry in ClinVar:

NM_001244008.2(KIF1A):c.2680G>C (p.Asp894His)

Gene: KIF1A (kinesin family member 1A; minus strand). Cytogenetic location: 2q37.3.
Variant type: single nucleotide variant.
Coding change: c.2680G>C on transcript NM_001244008.2 (MANE Select); coding-DNA position 2680, G replaced by C.
Protein change: p.Asp894His; replaces aspartic acid 894 with histidine.
Molecular consequence: missense variant. On other transcripts: intron variant (18).
Genome position (GRCh38, 1-based): chr2:240,757,497, C>G on the plus strand (G>C on the coding strand, the complement: KIF1A is on the minus strand). VCF-style: chr2-240757497-C-G. GRCh37 (hg19) VCF-style: chr2-241696914-C-G.
Other names: c.2755G>C, p.Asp919His (NM_001379631.1); c.2629G>C, p.Asp877His (NM_001379632.1); c.2653G>C, p.Asp885His (NM_001379633.1, NM_001379642.1, NM_001379645.1); c.2555+863G>C (NM_001379653.1, NM_001379650.1, NM_001379640.1 and 6 more transcripts); c.2657+863G>C (NM_001379635.1, NM_001330290.2, NM_001379646.1 and 1 more transcripts); c.2630+863G>C (NM_001379637.1, NM_001379648.1); c.2582+863G>C (NM_001320705.2, NM_001379638.1, NM_001330289.2); short protein forms D877H, D885H, D894H, D919H.
Identifiers: ClinVar variation 1306312 (VCV001306312.2), dbSNP rs1064796756, ClinGen allele CA351322124.

ClinVar aggregate classification (germline): Uncertain significance (1 of 4 stars; one submission).

Submission:

GeneDx
Classification: Uncertain significance. Last evaluated: 2019-06-06. Review status: criteria provided, single submitter. Criteria: GeneDx Variant Classification Process June 2021. Collection method: clinical testing. Allele origin: germline. Affected: yes.
Comment: Not observed in large population cohorts (Lek et al., 2016); In silico analysis, which includes splice predictors and evolutionary conservation, supports that this variant does not alter protein structure/function; Has not been previously published as pathogenic or benign to our knowledge